The following is an entry in ClinVar:

NM_000512.5(GALNS):c.1423C>A (p.His475Asn)

Genes: GALNS (galactosamine (N-acetyl)-6-sulfatase; minus strand), LOC126862447 (CDK7 strongly-dependent group 2 enhancer GRCh37_chr16:88884193-88885392; plus strand). Cytogenetic location: 16q24.3.
Variant type: single nucleotide variant.
Coding change: c.1423C>A on transcript NM_000512.5 (MANE Select); coding-DNA position 1423, C replaced by A.
Protein change: p.His475Asn; replaces histidine 475 with asparagine.
Molecular consequence: missense variant.
Genome position (GRCh38, 1-based): chr16:88,818,066, G>T on the plus strand (C>A on the coding strand, the complement: GALNS is on the minus strand). VCF-style: chr16-88818066-G-T. GRCh37 (hg19) VCF-style: chr16-88884474-G-T.
Other names: c.868C>A, p.His290Asn (NM_001323543.2); c.1441C>A, p.His481Asn (NM_001323544.2); short protein forms H290N, H475N, H481N.
Identifiers: ClinVar variation 1048238 (VCV001048238.11), dbSNP rs749297663, ClinGen allele CA8234667.
Genomic context (GRCh38, chr16:88,818,066, plus strand): 5'-CCATGACCGCCCAGTTGCACACGTTGAGCTGGGGCTGCGCGGGGACCAAGGCCTCCTGGT[G>T]CTGCTGGACGACCGAGGTGATCCTGCTGAGGGCCTCCTGGTACTCGGCGCTGGCAAAGCT-3'
Protein context (NP_000503.1, residues 465-485): LSRITSVVQQ[His475Asn]QEALVPAQPQ

ClinVar aggregate classification (germline): Uncertain significance. Review status: criteria provided, multiple submitters, no conflicts (2 of 4 stars). 4 submissions from 4 submitters: Uncertain significance (4). Last evaluated 2023-12-22.

Conditions:
Mucopolysaccharidosis, MPS-IV-A (MPS4A). Also called: Mucopolysaccharidosis type IV A; Mucopolysaccharidosis Type IVA; Morquio syndrome A, mild; MORQUIO SYNDROME A; MPS IVA; mucopolysaccharidosis type 4A. Identifiers: Orphanet 309297, Orphanet 582, MedGen C0086651, MONDO:0009659, OMIM 253000.

Allele frequency attached by ClinVar (database versions not stated): ExAC 0.00002.
gnomAD v4.1: 1 of 1,576,378 alleles (0.000063%); highest among the groups gnomAD compares: Admixed American, 0.0018%; no homozygotes.

Submissions (4):

Revvity Omics, Revvity
Classification: Uncertain significance for Mucopolysaccharidosis, MPS-IV-A. Last evaluated: 2023-12-22. Review status: criteria provided, single submitter. Criteria: ACMG Guidelines, 2015. Collection method: clinical testing. Allele origin: germline.

3billion
Classification: Uncertain significance for Mucopolysaccharidosis, MPS-IV-A. Last evaluated: 2023-10-11. Review status: criteria provided, single submitter. Criteria: ACMG Guidelines, 2015. Collection method: clinical testing. Allele origin: germline. Affected: yes.
Comment: The variant is observed at an extremely low frequency in the gnomAD v2.1.1 dataset (total allele frequency: 0.001%). Predicted Consequence/Location: Missense variant In silico tool predictions suggest damaging effect of the variant on gene or gene product [REVEL: 0.75 (>=0.6, sensitivity 0.68 and specificity 0.92)]. Therefore, this variant is classified as VUS according to the recommendation of ACMG/AMP guideline.

Labcorp Genetics (formerly Invitae), Labcorp
Classification: Uncertain significance for Mucopolysaccharidosis, MPS-IV-A. Last evaluated: 2022-04-11. Review status: criteria provided, single submitter. Criteria: Invitae Variant Classification Sherloc (09022015). Collection method: clinical testing. Allele origin: germline.
Comment: In summary, the available evidence is currently insufficient to determine the role of this variant in disease. Therefore, it has been classified as a Variant of Uncertain Significance. Advanced modeling of protein sequence and biophysical properties (such as structural, functional, and spatial information, amino acid conservation, physicochemical variation, residue mobility, and thermodynamic stability) performed at Invitae indicates that this missense variant is expected to disrupt GALNS protein function. ClinVar contains an entry for this variant (Variation ID: 1048238). This missense change has been observed in individual(s) with mucopolysaccharidosis IVA (PMID: 34387910). The frequency data for this variant in the population databases is considered unreliable, as metrics indicate poor data quality at this position in the gnomAD database. This sequence change replaces histidine, which is basic and polar, with asparagine, which is neutral and polar, at codon 475 of the GALNS protein (p.His475Asn).

Laboratory of Diagnosis and Therapy of Lysosomal Disorders, University of Padova
Classification: Uncertain significance for Mucopolysaccharidosis, MPS-IV-A. Last evaluated: 2021-02-01. Review status: criteria provided, single submitter. Criteria: ACMG Guidelines, 2015. Collection method: research. Allele origin: germline. Affected: yes.
Comment: Very low frequency in gnomAD v2.1.1 (PM2_moderate)

Literature cited by the submitters: PubMed 34387910 (cited by Labcorp Genetics (formerly Invitae), Labcorp and Laboratory of Diagnosis and Therapy of Lysosomal Disorders, University of Padova).